The following is an entry in ClinVar:

NM_001009944.3(PKD1):c.5957C>T (p.Thr1986Met)

Gene: PKD1 (polycystin 1, transient receptor potential channel interacting; minus strand). Cytogenetic location: 16p13.3.
Variant type: single nucleotide variant.
Coding change: c.5957C>T on transcript NM_001009944.3 (MANE Select); coding-DNA position 5957, C replaced by T.
Protein change: p.Thr1986Met; replaces threonine 1986 with methionine.
Molecular consequence: missense variant.
Genome position (GRCh38, 1-based): chr16:2,109,210, G>A on the plus strand (C>T on the coding strand, the complement: PKD1 is on the minus strand). VCF-style: chr16-2109210-G-A. GRCh37 (hg19) VCF-style: chr16-2159211-G-A.
Other names: (p.Thr1986Met); c.5957C>T, p.Thr1986Met (NM_000296.4); short protein forms T1986M.
Identifiers: ClinVar variation 2383837 (VCV002383837.8), dbSNP rs200139724, ClinGen allele CA7831785.

ClinVar aggregate classification (germline): Conflicting classifications of pathogenicity. Review status: criteria provided, conflicting classifications (1 of 4 stars). 6 submissions from 6 submitters: Uncertain significance (4); Likely benign (1). 1 of the submissions does not count toward it. Last evaluated 2026-09-14.

Conditions:
Inborn genetic diseases. Identifiers: MedGen C0950123, MeSH D030342.
PKD1-related disorder. Also called: PKD1-related condition.
Polycystic kidney disease, adult type (PKD1). Also called: Polycystic Kidney Disease 1, Autosomal Dominant; Polycystic kidney disease 1; Polycystic kidney disease 1, severe; Polycystic Kidney, Autosomal Dominant; POLYCYSTIC KIDNEY DISEASE, ADULT, TYPE I; POLYCYSTIC KIDNEY DISEASE 1 WITH OR WITHOUT POLYCYSTIC LIVER DISEASE. Identifiers: MedGen C3149841, MONDO:0008263, OMIM 173900.

Allele frequency attached by ClinVar (database versions not stated): gnomAD 0.00008; gnomAD exomes 0.00011; ExAC 0.00014; 1000 Genomes Project 30x 0.00078; 1000 Genomes Project 0.00100.

Submissions (6):

PreventionGenetics, part of Exact Sciences
Classification: Uncertain significance for PKD1-related condition. Last evaluated: 2026-09-14. Review status: criteria provided, single submitter. Criteria: ACMG Guidelines, 2015. Collection method: clinical testing. Allele origin: germline.
Comment: The PKD1 c.5957C>T variant is predicted to result in the amino acid substitution p.Thr1986Met. This variant was reported in individuals with polycystic kidney disease (Taniguchi et al. 2024. PubMed ID: 39105070; Supplementary Table S1, Fujimaru et al. 2024. PubMed ID: 39291187). Of note, both reported individuals harbored an additional variant in PKD1. This variant is reported in 0.093% of alleles in individuals of South Asian descent in gnomAD. At this time, the clinical significance of this variant is uncertain due to the absence of conclusive functional and genetic evidence.

Foundation for Research in Genetics and Endocrinology, FRIGE's Institute of Human Genetics
Classification: Uncertain significance for Polycystic kidney disease, adult type. Last evaluated: 2024-02-27. Review status: criteria provided, single submitter. Criteria: ACMG Guidelines, 2015. Collection method: clinical testing. Allele origin: germline. Inheritance: Autosomal dominant inheritance. Affected: yes. Observed: 1 heterozygote.
Comment: A heterozygous missense variation in exon 15 of the PKD1gene that results in the amino acid substitution of Methionine for Threonine at codon 1986 was detected. The observed variant c.5957C>T (p.Thr1986Met) has a minor allele frequency of 0.0781%, 0.0781% and 0.0155% in the 1000 genomes, Topmed and gnomAD databases. The in silico prediction of the variant is benign by PROVEAN, FATHMM and MutationTaster2 and damaging by SIFT, DANN and LRT. The reference codon is conserved across species. In summary, the variant meets our criteria to be classified as a variant of uncertain significance.

Blueprint Genetics
Classification: Likely benign. Last evaluated: 2023-12-21. Review status: criteria provided, single submitter. Criteria: ACMG Guidelines, 2015. Collection method: clinical testing. Allele origin: germline.

Department of Pathology and Laboratory Medicine, Sinai Health System
Classification: Uncertain significance for Polycystic kidney disease, adult type. Last evaluated: 2022-04-06. Review status: criteria provided, single submitter. Criteria: ACMG Guidelines, 2015. Collection method: clinical testing. Allele origin: germline. Affected: yes.

Ambry Genetics
Classification: Uncertain significance for Inborn genetic diseases. Last evaluated: 2022-03-25. Review status: criteria provided, single submitter. Criteria: Ambry Variant Classification Scheme 2023. Collection method: clinical testing. Allele origin: germline.

Genetics laboratory, Institute of Kidney Diseases & Research Centre Dr. H.L. Trivedi Institute Of Transplantation Sciences
Classification: Uncertain significance for Polycystic kidney disease, adult type. Last evaluated: 2024-02-27. Review status: no assertion criteria provided. Collection method: clinical testing. Allele origin: germline. Inheritance: Autosomal dominant inheritance. Affected: yes. Observed: 1 variant allele, 1 heterozygote. Not counted in ClinVar's aggregate classification.
Comment: A heterozygous missense variant c.5957C>T (p.Thr1986Met) in exon 15 of PKD1 gene (chr6:2159211; Depth: 110x) was identified. The variant was observed with MAF of 0.07%, 0.07% and 0.02% in the 1000genomes, TopMed and gnomAD databases, respectively. The variant has previously been reported in the ClinVar database as a variant of uncertain significance (RCV002708387). In silico analysis suggests the variant to be damaging by PolyPhen2, SIFT and CADD. Based on the current evidence, the variant is classified as a variant of uncertain significance according to the ACMG-AMP classification system and ClinGen framework.